The following is an entry in ClinVar:

NM_001447.3(FAT2):c.9927C>T (p.Val3309=)

Genes: FAT2 (FAT atypical cadherin 2; minus strand), SLC36A1 (solute carrier family 36 member 1; plus strand). Cytogenetic location: 5q33.1.
Variant type: single nucleotide variant.
Coding change: c.9927C>T on transcript NM_001447.3 (MANE Select); coding-DNA position 9927, C replaced by T.
Protein change: p.Val3309=; no amino-acid change (valine 3309 retained).
Molecular consequence: synonymous variant.
Genome position (GRCh38, 1-based): chr5:151,529,277, G>A on the plus strand (C>T on the coding strand, the complement: FAT2 is on the minus strand). VCF-style: chr5-151529277-G-A. GRCh37 (hg19) VCF-style: chr5-150908838-G-A.
Identifiers: ClinVar variation 749596 (VCV000749596.14), dbSNP rs200124157, ClinGen allele CA3520419.

ClinVar aggregate classification (germline): Likely benign. Review status: criteria provided, multiple submitters, no conflicts (2 of 4 stars). 2 submissions from 2 submitters: Likely benign (2). Last evaluated 2025-11-01.

Allele frequency attached by ClinVar (database versions not stated): gnomAD 0.00006 and 0.00008; ExAC 0.00009; TOPMed 0.00009; gnomAD exomes 0.00011 and 0.00028; ESP Exome Variant Server 0.00023.
gnomAD v4.1: 428 of 1,613,846 alleles (0.027%); highest among the groups gnomAD compares: Non-Finnish European, 0.035%; no homozygotes.

Submissions (2):

CeGaT Center for Human Genetics Tuebingen
Classification: Likely benign. Last evaluated: 2025-11-01. Review status: criteria provided, single submitter. Criteria: CeGaT Center For Human Genetics Tuebingen Variant Classification Criteria Version 2. Collection method: clinical testing. Allele origin: germline. Affected: yes. Observed: 2 variant alleles.
Comment: FAT2: BP4

Labcorp Genetics (formerly Invitae), Labcorp
Classification: Likely benign. Last evaluated: 2025-10-21. Review status: criteria provided, single submitter. Criteria: Invitae Variant Classification Sherloc (09022015). Collection method: clinical testing. Allele origin: germline.